The following is an entry in ClinVar:

NM_004100.5(EYA4):c.1241_1248del (p.Phe414fs)

Genes: EYA4 (EYA transcriptional coactivator and phosphatase 4; plus strand), TARID (TCF21 antisense RNA inducing promoter demethylation; minus strand), LOC126859796 (MED14-independent group 3 enhancer GRCh37_chr6:133826289-133827488; plus strand). Cytogenetic location: 6q23.2.
Variant type: Deletion.
Coding change: c.1241_1248del on transcript NM_004100.5 (MANE Select); coding-DNA positions 1241 to 1248, 8 bases deleted (TTAATCTT; older notation c.1241_1248delTTAATCTT).
Protein change: p.Phe414fs; shifts the reading frame from phenylalanine 414.
Molecular consequence: frameshift variant. On other transcripts: non-coding transcript variant (1).
Genome position (GRCh38, 1-based): chr6:133,506,155-133,506,162, TTAATCTT deleted; deleting any 8 consecutive bases within chr6:133,506,153-133,506,162 gives the same sequence; the c. name uses the placement nearest the transcript's 3' end. VCF-style (leftmost placement, unchanged base first): chr6-133506152-TTTTTAATC-T. GRCh37 (hg19) VCF-style: chr6-133827290-TTTTTAATC-T.
Other names: c.1079_1086del, p.Phe360fs (NM_001301012.2); c.1259_1266del, p.Phe420fs (NM_001301013.2); c.1172_1179del, p.Phe391fs (NM_001370458.1, NM_172103.4); c.1097_1104del, p.Phe366fs (NM_001370459.1); c.1241_1248del, p.Phe414fs (NM_172105.4); short protein forms F360fs, F366fs, F391fs, F414fs, F420fs.
Identifiers: ClinVar variation 2630897 (VCV002630897.3), dbSNP rs1798601140, ClinGen allele CA1665059019.

ClinVar aggregate classification (germline): Pathogenic. Review status: criteria provided, multiple submitters, no conflicts (2 of 4 stars). 2 submissions from 2 submitters: Pathogenic (2). Last evaluated 2025-01-26.

Conditions:
Dilated cardiomyopathy 1J (CMD1J). Also called: CARDIOMYOPATHY, DILATED, WITH SENSORINEURAL HEARING LOSS, AUTOSOMAL DOMINANT. Identifiers: Orphanet 217622, MedGen C1854368, MONDO:0011541, OMIM 605362.
EYA4-related disorder. Also called: EYA4-related condition; EYA4-related disorders. Identifiers: MedGen CN239388.

Submissions (2):

Labcorp Genetics (formerly Invitae), Labcorp
Classification: Pathogenic for Dilated cardiomyopathy 1J. Last evaluated: 2025-01-26. Review status: criteria provided, single submitter. Criteria: Invitae Variant Classification Sherloc (09022015). Collection method: clinical testing. Allele origin: germline.
Comment: This sequence change creates a premature translational stop signal (p.Phe414Cysfs*2) in the EYA4 gene. It is expected to result in an absent or disrupted protein product. Loss-of-function variants in EYA4 are known to be pathogenic (PMID: 11159937, 25781927, 25963406). This variant is not present in population databases (gnomAD no frequency). This variant has not been reported in the literature in individuals affected with EYA4-related conditions. ClinVar contains an entry for this variant (Variation ID: 2630897). For these reasons, this variant has been classified as Pathogenic.

PreventionGenetics, part of Exact Sciences
Classification: Pathogenic for EYA4-related condition. Last evaluated: 2023-09-12. Review status: criteria provided, single submitter. Criteria: ACMG Guidelines, 2015. Collection method: clinical testing. Allele origin: germline.
Comment: The EYA4 c.1241_1248del8 variant is predicted to result in a frameshift and premature protein termination (p.Phe414Cysfs*2). To our knowledge, this variant has not been reported in the literature or in a large population database, indicating this variant is rare. Frameshift variants in EYA4 are expected to be pathogenic. This variant is interpreted as pathogenic.

Literature cited by the submitters: PubMed 11159937 (cited by Labcorp Genetics (formerly Invitae), Labcorp); PubMed 25781927 (cited by Labcorp Genetics (formerly Invitae), Labcorp); PubMed 25963406 (cited by Labcorp Genetics (formerly Invitae), Labcorp).